The following is an entry in ClinVar:

ClinVar aggregate classification (germline): Likely pathogenic (1 of 4 stars; one submission).

Conditions:
Autosomal recessive limb-girdle muscular dystrophy type 2J (LGMDR10). Also called: Limb-girdle muscular dystrophy, type 2J; MUSCULAR DYSTROPHY, LIMB-GIRDLE, AUTOSOMAL RECESSIVE 10. Identifiers: Orphanet 140922, MedGen C1837342, MONDO:0012127, OMIM 608807.
Dilated cardiomyopathy 1G (CMD1G). Identifiers: Orphanet 154, MedGen C1858763, MONDO:0011400, OMIM 604145.

Allele frequency attached by ClinVar (database versions not stated): gnomAD exomes below 0.00001.
gnomAD v4.1: 2 of 1,613,612 alleles (0.00012%); highest among the groups gnomAD compares: Non-Finnish European, 0.00017%; no homozygotes.

Submission:

Labcorp Genetics (formerly Invitae), Labcorp
Classification: Likely pathogenic for Dilated cardiomyopathy 1G; Autosomal recessive limb-girdle muscular dystrophy type 2J. Last evaluated: 2023-12-27. Review status: criteria provided, single submitter. Criteria: Invitae Variant Classification Sherloc (09022015). Collection method: clinical testing. Allele origin: germline.
Comment: This sequence change creates a premature translational stop signal (p.Trp28672*) in the TTN gene. While this is not anticipated to result in nonsense mediated decay, it is expected to create a truncated TTN protein. This variant is not present in population databases (gnomAD no frequency). This variant has not been reported in the literature in individuals affected with TTN-related conditions. ClinVar contains an entry for this variant (Variation ID: 466665). This variant is located in the A band of TTN (PMID: 25589632). Truncating variants in this region are significantly overrepresented in patients affected with dilated cardiomyopathy (PMID: 25589632). Truncating variants in this region have also been reported in individuals affected with autosomal recessive centronuclear myopathy (PMID: 23975875). In summary, the currently available evidence indicates that the variant is pathogenic, but additional data are needed to prove that conclusively. Therefore, this variant has been classified as Likely Pathogenic.

Literature cited by the submitters: PubMed 25589632; PubMed 23975875.

NM_001267550.2(TTN):c.86016G>A (p.Trp28672Ter)

Genes: TTN (titin; minus strand), TTN-AS1 (TTN antisense RNA 1; plus strand). Cytogenetic location: 2q31.2.
Variant type: single nucleotide variant.
Coding change: c.86016G>A on transcript NM_001267550.2 (MANE Select); coding-DNA position 86016, G replaced by A.
Protein change: p.Trp28672Ter; replaces tryptophan 28672 with a stop codon.
Molecular consequence: nonsense.
Genome position (GRCh38, 1-based): chr2:178,560,116, C>T on the plus strand (G>A on the coding strand, the complement: TTN is on the minus strand). VCF-style: chr2-178560116-C-T. GRCh37 (hg19) VCF-style: chr2-179424843-C-T.
Other names: c.81093G>A, p.Trp27031Ter (NM_001256850.1); c.58821G>A, p.Trp19607Ter (NM_003319.4); c.78312G>A, p.Trp26104Ter (NM_133378.4); c.59196G>A, p.Trp19732Ter (NM_133432.3); c.59397G>A, p.Trp19799Ter (NM_133437.4); short protein forms W28672*, W19607*, W19799*, W19732*, W27031*, W26104*.
Identifiers: ClinVar variation 466665 (VCV000466665.4), dbSNP rs1553562022, ClinGen allele CA349547000.